The following is an entry in ClinVar:

ClinVar aggregate classification (germline): Conflicting classifications of pathogenicity. Review status: criteria provided, conflicting classifications (1 of 4 stars). 6 submissions from 6 submitters: Uncertain significance (5); Likely benign (1). Last evaluated 2026-03-19.

Conditions:
Hereditary cancer-predisposing syndrome. Also called: Tumor predisposition; Hereditary neoplastic syndrome; Neoplastic Syndromes, Hereditary; Hereditary Cancer Syndrome. Identifiers: Orphanet 140162, MedGen C0027672, MeSH D009386, MONDO:0015356.
Classic or attenuated familial adenomatous polyposis. Identifiers: MedGen CN372698, MONDO:0021057.
Familial adenomatous polyposis 1 (FAP1). Also called: POLYPOSIS, ADENOMATOUS INTESTINAL; FAMILIAL ADENOMATOUS POLYPOSIS 1, ATTENUATED. Identifiers: MedGen C2713442, MONDO:0021056, OMIM 175100. Disease mechanism: loss of function.

Allele frequency attached by ClinVar (database versions not stated): ExAC 0.00001; gnomAD 0.00001; gnomAD exomes 0.00001.
gnomAD v4.1: 10 of 1,613,606 alleles (0.00062%); highest among the groups gnomAD compares: Non-Finnish European, 0.00076%; no homozygotes.

Submissions (6):

Ambry Genetics
Classification: Likely benign for Hereditary cancer-predisposing syndrome. Last evaluated: 2026-03-19. Review status: criteria provided, single submitter. Criteria: Ambry Variant Classification Scheme 2023. Collection method: clinical testing. Allele origin: germline.

Labcorp Genetics (formerly Invitae), Labcorp
Classification: Uncertain significance for Familial adenomatous polyposis 1. Last evaluated: 2025-10-07. Review status: criteria provided, single submitter. Criteria: Invitae Variant Classification Sherloc (09022015). Collection method: clinical testing. Allele origin: germline.
Comment: This sequence change replaces threonine, which is neutral and polar, with alanine, which is neutral and non-polar, at codon 683 of the APC protein (p.Thr683Ala). This variant is present in population databases (rs749130507, gnomAD 0.002%). This variant has not been reported in the literature in individuals affected with APC-related conditions. ClinVar contains an entry for this variant (Variation ID: 469730). Invitae Evidence Modeling of protein sequence and biophysical properties (such as structural, functional, and spatial information, amino acid conservation, physicochemical variation, residue mobility, and thermodynamic stability) indicates that this missense variant is not expected to disrupt APC protein function with a negative predictive value of 95%. In summary, the available evidence is currently insufficient to determine the role of this variant in disease. Therefore, it has been classified as a Variant of Uncertain Significance.

Baylor Genetics
Classification: Uncertain significance for Familial adenomatous polyposis 1. Last evaluated: 2023-12-19. Review status: criteria provided, single submitter. Criteria: ACMG Guidelines, 2015. Collection method: clinical testing. Allele origin: unknown.

All of Us Research Program, National Institutes of Health
Classification: Uncertain significance for Classic or attenuated familial adenomatous polyposis. Last evaluated: 2023-05-08. Review status: criteria provided, single submitter. Criteria: ACMG Guidelines, 2015. Collection method: clinical testing. Allele origin: germline. Inheritance: Autosomal dominant inheritance. Observed: 2 variant alleles, 2 heterozygotes.
Comment: This study involves interpretation of variants in research participants for the purpose of population health screening. Participant phenotype was not available at the time of variant classification. Additional details can be found in publication PMID: 35346344, PMCID: PMC8962531

Color Diagnostics, LLC DBA Color Health
Classification: Uncertain significance for Hereditary cancer-predisposing syndrome. Last evaluated: 2019-01-25. Review status: criteria provided, single submitter. Criteria: ACMG Guidelines, 2015. Collection method: clinical testing. Allele origin: germline.

Quest Diagnostics Nichols Institute San Juan Capistrano
Classification: Uncertain significance. Last evaluated: 2018-11-02. Review status: criteria provided, single submitter. Criteria: Quest Diagnostics criteria. Collection method: clinical testing. Allele origin: germline.

NM_000038.6(APC):c.2047A>G (p.Thr683Ala)

Gene: APC (APC regulator of Wnt signaling pathway; plus strand). Cytogenetic location: 5q22.2.
Variant type: single nucleotide variant.
Coding change: c.2047A>G on transcript NM_000038.6 (MANE Select); coding-DNA position 2047, A replaced by G.
Protein change: p.Thr683Ala; replaces threonine 683 with alanine.
Molecular consequence: missense variant.
Genome position (GRCh38, 1-based): chr5:112,837,641, A>G. VCF-style: chr5-112837641-A-G. GRCh37 (hg19) VCF-style: chr5-112173338-A-G.
Other names: c.2047A>G, p.Thr683Ala (NM_001127510.3, NM_001354895.2); c.1993A>G, p.Thr665Ala (NM_001127511.3); c.2101A>G, p.Thr701Ala (NM_001354896.2); c.2077A>G, p.Thr693Ala (NM_001354897.2); c.1972A>G, p.Thr658Ala (NM_001354898.2); c.1963A>G, p.Thr655Ala (NM_001354899.2); c.1924A>G, p.Thr642Ala (NM_001354900.2); c.1870A>G, p.Thr624Ala (NM_001354901.2); and 5 more; short protein forms T683A, T665A, T400A, T592A, T655A, T658A, T701A, T582A.
Identifiers: ClinVar variation 469730 (VCV000469730.21), dbSNP rs749130507, ClinGen allele CA030646.
Genomic context (GRCh38, chr5:112,837,641, plus strand): 5'-CAAACTTTATTACAACACTTAAAATCTCATAGTTTGACAATAGTCAGTAATGCATGTGGA[A>G]CTTTGTGGAATCTCTCAGCAAGAAATCCTAAAGACCAGGAAGCATTATGGGACATGGGGG-3'
Protein context (NP_000029.2, residues 673-693): SLTIVSNACG[Thr683Ala]LWNLSARNPK